The following is an entry in ClinVar:

NM_000038.6(APC):c.7209G>T (p.Gln2403His)

Gene: APC (APC regulator of WNT signaling pathway; plus strand). Cytogenetic location: 5q22.2.
Variant type: single nucleotide variant.
Coding change: c.7209G>T on transcript NM_000038.6 (MANE Select); coding-DNA position 7209, G replaced by T.
Protein change: p.Gln2403His; replaces glutamine 2403 with histidine.
Molecular consequence: missense variant.
Genome position (GRCh38, 1-based): chr5:112,842,803, G>T. VCF-style: chr5-112842803-G-T. GRCh37 (hg19) VCF-style: chr5-112178500-G-T.
Other names: c.7209G>T, p.Gln2403His (NM_001127510.3, NM_001354895.2); c.7155G>T, p.Gln2385His (NM_001127511.3); c.7263G>T, p.Gln2421His (NM_001354896.2); c.7239G>T, p.Gln2413His (NM_001354897.2); c.7134G>T, p.Gln2378His (NM_001354898.2); c.7125G>T, p.Gln2375His (NM_001354899.2); c.7086G>T, p.Gln2362His (NM_001354900.2); c.7032G>T, p.Gln2344His (NM_001354901.2); and 5 more; short protein forms Q2120H, Q2243H, Q2277H, Q2302H, Q2312H, Q2344H, Q2362H, Q2375H.
Identifiers: ClinVar variation 1320471 (VCV001320471.2), dbSNP rs769603145, ClinGen allele CA16037030.

ClinVar aggregate classification (germline): Uncertain significance (1 of 4 stars; one submission).

Submission:

GeneDx
Classification: Uncertain significance. Last evaluated: 2019-07-08. Review status: criteria provided, single submitter. Criteria: GeneDx Variant Classification Process June 2021. Collection method: clinical testing. Allele origin: germline. Affected: yes.
Comment: Not observed in large population cohorts (Lek 2016); In silico analysis, which includes protein predictors and evolutionary conservation, supports that this variant does not alter protein structure/function; Has not been previously published as pathogenic or benign to our knowledge